The following is an entry in ClinVar:

NM_000548.5(TSC2):c.4270G>C (p.Asp1424His)

Gene: TSC2 (TSC complex subunit 2; plus strand). Cytogenetic location: 16p13.3.
Variant type: single nucleotide variant.
Coding change: c.4270G>C on transcript NM_000548.5 (MANE Select); coding-DNA position 4270, G replaced by C.
Protein change: p.Asp1424His; replaces aspartic acid 1424 with histidine.
Molecular consequence: missense variant.
Genome position (GRCh38, 1-based): chr16:2,084,492, G>C. VCF-style: chr16-2084492-G-C. GRCh37 (hg19) VCF-style: chr16-2134493-G-C.
Other names: c.4069G>C, p.Asp1357His (NM_001077183.3); c.4201G>C, p.Asp1401His (NM_001114382.3); c.3961G>C, p.Asp1321His (NM_001318827.2); c.3925G>C, p.Asp1309His (NM_001318829.2); c.3538G>C, p.Asp1180His (NM_001318831.2); c.4102G>C, p.Asp1368His (NM_001318832.2); c.4072G>C, p.Asp1358His (NM_001363528.2); c.4138G>C, p.Asp1380His (NM_001370404.1); and 1 more; short protein forms D1321H, D1358H, D1380H, D1381H, D1424H, D1309H, D1368H, D1401H.
Identifiers: ClinVar variation 944752 (VCV000944752.18), dbSNP rs1216613310, ClinGen allele CA394300651.
Genomic context (GRCh38, chr16:2,084,492, plus strand): 5'-AAGGCCGACGTGGGCCGGCTGAGCCCTGAGGTTAAGGCCCGGTCACAGTCAGGGACCCTG[G>C]ACGGGGAAAGTGCTGCCTGGTCGGCCTCGGGCGAAGACAGTCGGGGCCAGCCCGAGGGTC-3'
Protein context (NP_000539.2, residues 1414-1434): VKARSQSGTL[Asp1424His]GESAAWSASG

ClinVar aggregate classification (germline): Uncertain significance. Review status: criteria provided, multiple submitters, no conflicts (2 of 4 stars). 5 submissions from 5 submitters: Uncertain significance (5). Last evaluated 2025-11-24.

Conditions:
Hereditary cancer-predisposing syndrome. Also called: Neoplastic Syndromes, Hereditary; Hereditary neoplastic syndrome; Hereditary Cancer Syndrome; Tumor predisposition. Identifiers: Orphanet 140162, MedGen C0027672, MeSH D009386, MONDO:0015356.
Tuberous sclerosis 2 (TSC2). Identifiers: Orphanet 805, MedGen C1860707, MONDO:0013199, OMIM 613254.
Tuberous sclerosis syndrome (TSC). Also called: Tuberous Sclerosis Complex; Tuberous sclerosis. Identifiers: Orphanet 805, MedGen C0041341, MONDO:0001734.

Allele frequency attached by ClinVar (database versions not stated): gnomAD exomes below 0.00001.
gnomAD v4.1: 4 of 1,609,284 alleles (0.00025%); highest among the groups gnomAD compares: East Asian, 0.0089%; no homozygotes.

Submissions (5):

Ambry Genetics
Classification: Uncertain significance for Hereditary cancer-predisposing syndrome. Last evaluated: 2025-11-24. Review status: criteria provided, single submitter. Criteria: Ambry Variant Classification Scheme 2023. Collection method: clinical testing. Allele origin: germline.
Comment: The p.D1424H variant (also known as c.4270G>C), located in coding exon 33 of the TSC2 gene, results from a G to C substitution at nucleotide position 4270. The aspartic acid at codon 1424 is replaced by histidine, an amino acid with similar properties. This amino acid position is not well conserved in available vertebrate species. In addition, the in silico prediction for this alteration is inconclusive. Since supporting evidence is limited at this time, the clinical significance of this alteration remains unclear.

Labcorp Genetics (formerly Invitae), Labcorp
Classification: Uncertain significance for Tuberous sclerosis 2. Last evaluated: 2024-10-16. Review status: criteria provided, single submitter. Criteria: Invitae Variant Classification Sherloc (09022015). Collection method: clinical testing. Allele origin: germline.
Comment: This sequence change replaces aspartic acid, which is acidic and polar, with histidine, which is basic and polar, at codon 1424 of the TSC2 protein (p.Asp1424His). This variant is not present in population databases (gnomAD no frequency). This variant has not been reported in the literature in individuals affected with TSC2-related conditions. ClinVar contains an entry for this variant (Variation ID: 944752). Invitae Evidence Modeling of protein sequence and biophysical properties (such as structural, functional, and spatial information, amino acid conservation, physicochemical variation, residue mobility, and thermodynamic stability) indicates that this missense variant is not expected to disrupt TSC2 protein function with a negative predictive value of 95%. In summary, the available evidence is currently insufficient to determine the role of this variant in disease. Therefore, it has been classified as a Variant of Uncertain Significance.

All of Us Research Program, National Institutes of Health
Classification: Uncertain significance for Tuberous sclerosis syndrome. Last evaluated: 2023-12-13. Review status: criteria provided, single submitter. Criteria: ACMG Guidelines, 2015. Collection method: clinical testing. Allele origin: germline. Inheritance: Autosomal dominant inheritance. Observed: 1 variant allele, 1 heterozygote.
Comment: This missense variant replaces aspartic acid with histidine at codon 1424 of the TSC2 protein. Computational prediction suggests that this variant may not impact protein structure and function (internally defined REVEL score threshold <= 0.5, PMID: 27666373). To our knowledge, functional studies have not been reported for this variant. This variant has not been reported in individuals affected with TSC2-related disorders in the literature. This variant has not been identified in the general population by the Genome Aggregation Database (gnomAD). The available evidence is insufficient to determine the role of this variant in disease conclusively. Therefore, this variant is classified as a Variant of Uncertain Significance.

This study involves interpretation of variants in research participants for the purpose of population health screening. Participant phenotype was not available at the time of variant classification. Additional details can be found in publication PMID: 35346344, PMCID: PMC8962531

GeneDx
Classification: Uncertain significance. Last evaluated: 2023-03-31. Review status: criteria provided, single submitter. Criteria: GeneDx Variant Classification Process June 2021. Collection method: clinical testing. Allele origin: germline. Affected: yes.
Comment: Not observed in large population cohorts (gnomAD); In silico analysis, which includes protein predictors and evolutionary conservation, supports that this variant does not alter protein structure/function; Has not been previously published as pathogenic or benign to our knowledge

Genome-Nilou Lab
Classification: Uncertain significance for Tuberous sclerosis 2. Last evaluated: 2021-11-07. Review status: criteria provided, single submitter. Criteria: ACMG Guidelines, 2015. Collection method: clinical testing. Allele origin: germline. Affected: no.